The following is an entry in ClinVar:

NM_000127.3(EXT1):c.1819G>T (p.Gly607Ter)

Gene: EXT1 (exostosin glycosyltransferase 1; minus strand). Cytogenetic location: 8q24.11.
Variant type: single nucleotide variant.
Coding change: c.1819G>T on transcript NM_000127.3 (MANE Select); coding-DNA position 1819, G replaced by T.
Protein change: p.Gly607Ter; replaces glycine 607 with a stop codon.
Molecular consequence: nonsense.
Genome position (GRCh38, 1-based): chr8:117,807,281, C>A on the plus strand (G>T on the coding strand, the complement: EXT1 is on the minus strand). VCF-style: chr8-117807281-C-A. GRCh37 (hg19) VCF-style: chr8-118819520-C-A.
Other names: short protein forms G607*.
Identifiers: ClinVar variation 955338 (VCV000955338.7), dbSNP rs1823253013, ClinGen allele CA371878173.

ClinVar aggregate classification (germline): Pathogenic (1 of 4 stars; one submission).

Conditions:
Multiple congenital exostosis (EXT). Also called: MULTIPLE CARTILAGINOUS EXOSTOSES; Multiple exostoses; Hereditary multiple exostoses; Hereditary multiple exostosis; Multiple osteochondromas; Hereditary multiple osteochondromas. Identifiers: Orphanet 321, MedGen C0015306, MONDO:0005508, HP:0002762.

Submission:

Labcorp Genetics (formerly Invitae), Labcorp
Classification: Pathogenic for Multiple congenital exostosis. Last evaluated: 2024-04-18. Review status: criteria provided, single submitter. Criteria: Invitae Variant Classification Sherloc (09022015). Collection method: clinical testing. Allele origin: germline.
Comment: This sequence change creates a premature translational stop signal (p.Gly607*) in the EXT1 gene. It is expected to result in an absent or disrupted protein product. Loss-of-function variants in EXT1 are known to be pathogenic (PMID: 10679937, 11391482, 19810120). This variant is not present in population databases (gnomAD no frequency). This variant has not been reported in the literature in individuals affected with EXT1-related conditions. ClinVar contains an entry for this variant (Variation ID: 955338). For these reasons, this variant has been classified as Pathogenic.

Literature cited by the submitters: PubMed 10679937; PubMed 11391482; PubMed 19810120.